The following is an entry in ClinVar:

NM_022042.4(SLC26A1):c.1459G>A (p.Glu487Lys)

Genes: IDUA (alpha-L-iduronidase; plus strand), SLC26A1 (solute carrier family 26 member 1; minus strand). Cytogenetic location: 4p16.3.
Variant type: single nucleotide variant.
Coding change: c.1459G>A on transcript NM_022042.4 (MANE Select); coding-DNA position 1459, G replaced by A.
Protein change: p.Glu487Lys; replaces glutamic acid 487 with lysine.
Molecular consequence: missense variant. On other transcripts: intron variant (2).
Genome position (GRCh38, 1-based): chr4:989,480, C>T on the plus strand (G>A on the coding strand, the complement: SLC26A1 is on the minus strand). VCF-style: chr4-989480-C-T. GRCh37 (hg19) VCF-style: chr4-983268-C-T.
Other names: c.1459G>A, p.Glu487Lys (NM_213613.4); c.576+1648G>A (NM_134425.4); c.299+1531C>T (NM_000203.5); short protein forms E487K.
Identifiers: ClinVar variation 64581 (VCV000064581.2), dbSNP rs387907488, ClinGen allele CA216445.

ClinVar aggregate classification (germline): Uncertain significance (0 of 4 stars; one submission).

Submission:

Martin Pollak Laboratory,  Beth Israel Deaconess Medical Center
Classification: Uncertain significance. Review status: no assertion criteria provided. Collection method: not provided. Allele origin: unknown.
Comment: Lower and higher UCa2+ groups
ClinVar note: Converted during submission from unknown to Uncertain significance.